The following is an entry in ClinVar:

NM_174936.4(PCSK9):c.42_44del (p.Leu23del)

Gene: PCSK9 (proprotein convertase subtilisin/kexin type 9; plus strand). Cytogenetic location: 1p32.3.
Variant type: Deletion.
Coding change: c.42_44del on transcript NM_174936.4 (MANE Select); coding-DNA positions 42 to 44, 3 bases deleted (ACT; older notation c.42_44delACT).
Protein change: p.Leu23del; deletes leucine 23.
Molecular consequence: inframe deletion.
Genome position (GRCh38, 1-based): chr1:55,039,879-55,039,881, ACT deleted. VCF-style (leftmost placement, unchanged base first): chr1-55039878-CACT-C. GRCh37 (hg19) VCF-style: chr1-55505551-CACT-C.
Other names: short protein forms L23del.
Identifiers: ClinVar variation 924119 (VCV000924119.4), dbSNP rs1453893690, ClinGen allele CA737023103.
Genomic context (GRCh38, chr1:55,039,878, plus strand): 5'-CAACCTCTCCCCTGGCCCTCATGGGCACCGTCAGCTCCAGGCGGTCCTGGTGGCCGCTGC[CACT>C]GCTGCTGCTGCTGCTGCTGCTCCTGGGTCCCGCGGGCGCCCGTGCGCAGGAGGACGAGGA-3'

ClinVar aggregate classification (germline): Conflicting classifications of pathogenicity. Review status: criteria provided, conflicting classifications (1 of 4 stars). 2 submissions from 2 submitters: Uncertain significance (1); Likely benign (1). Last evaluated 2025-12-30.

Conditions:
Familial hypercholesterolemia. Also called: Familial hypercholesterolemias; Familial hypercholesterolaemia. Identifiers: MedGen C0020445, MONDO:0005439.
Hypercholesterolemia, autosomal dominant, 3 (FHCL3). Also called: Familial hypercholesterolemia 3; Familial Hypercholesterolemia, Autosomal Dominant, 3; PCSK9-Related Familial Hypercholesterolemia, Autosomal Dominant. Identifiers: MedGen C1863551, MONDO:0011369, OMIM 603776.

Allele frequency attached by ClinVar (database versions not stated): gnomAD exomes below 0.00001; TOPMed below 0.00001; gnomAD 0.00001.

Submissions (2):

Labcorp Genetics (formerly Invitae), Labcorp
Classification: Likely benign for Hypercholesterolemia, autosomal dominant, 3. Last evaluated: 2025-12-30. Review status: criteria provided, single submitter. Criteria: Invitae Variant Classification Sherloc (09022015). Collection method: clinical testing. Allele origin: germline.

Color Diagnostics, LLC DBA Color Health
Classification: Uncertain significance for Familial hypercholesterolemia. Last evaluated: 2024-09-04. Review status: criteria provided, single submitter. Criteria: ACMG Guidelines, 2015. Collection method: clinical testing. Allele origin: germline.
Comment: This variant causes an in-frame deletion of one amino acid at exon 1 of the PCSK9 protein. To our knowledge, functional studies have not been reported for this variant. This variant has not been reported in individuals affected with PCSK9-related disorders in the literature. This variant has not been identified in the general population by the Genome Aggregation Database (gnomAD). The available evidence is insufficient to determine the role of this variant in disease conclusively. Therefore, this variant is classified as a Variant of Uncertain Significance.